The following is an entry in ClinVar:

ClinVar aggregate classification (germline): Pathogenic (1 of 4 stars; one submission).

Conditions:
Neurofibromatosis, type 1 (NF1). Also called: Peripheral type neurofibromatosis; Neurofibromatosis, type I; VON RECKLINGHAUSEN DISEASE; NEUROFIBROMATOSIS, TYPE I, SOMATIC. Identifiers: Orphanet 636, MedGen C0027831, MONDO:0018975, OMIM 162200. Disease mechanism: loss of function.

Submission:

Labcorp Genetics (formerly Invitae), Labcorp
Classification: Pathogenic for Neurofibromatosis, type 1. Last evaluated: 2024-06-18. Review status: criteria provided, single submitter. Criteria: Invitae Variant Classification Sherloc (09022015). Collection method: clinical testing. Allele origin: germline.
Comment: This sequence change creates a premature translational stop signal (p.Ser942Alafs*12) in the NF1 gene. It is expected to result in an absent or disrupted protein product. Loss-of-function variants in NF1 are known to be pathogenic (PMID: 10712197, 23913538). This variant is not present in population databases (gnomAD no frequency). This variant has not been reported in the literature in individuals affected with NF1-related conditions. ClinVar contains an entry for this variant (Variation ID: 834401). For these reasons, this variant has been classified as Pathogenic.

Literature cited by the submitters: PubMed 10712197; PubMed 23913538.

NM_001042492.3(NF1):c.2824del (p.Ser942fs)

Gene: NF1 (neurofibromin 1; plus strand). Cytogenetic location: 17q11.2.
Variant type: Deletion.
Coding change: c.2824del on transcript NM_001042492.3 (MANE Select); coding-DNA position 2824, one base deleted (A; older notation c.2824delA).
Protein change: p.Ser942fs; shifts the reading frame from serine 942.
Molecular consequence: frameshift variant.
Genome position (GRCh38, 1-based): chr17:31,229,439, A deleted. VCF-style (leftmost placement, unchanged base first): chr17-31229438-CA-C. GRCh37 (hg19) VCF-style: chr17-29556456-CA-C.
Other names: c.2824delA, p.Ser942Alafs (NM_000267.4); short protein forms S942fs.
Identifiers: ClinVar variation 834401 (VCV000834401.6), dbSNP rs2067074457, ClinGen allele CA916080631.